The following is an entry in ClinVar:

ClinVar aggregate classification (germline): Uncertain significance (1 of 4 stars; one submission).

Conditions:
Lethal multiple pterygium syndrome (LMPS). Identifiers: Orphanet 33108, MedGen C1854678, MONDO:0009668, OMIM 253290.

Allele frequency attached by ClinVar (database versions not stated): gnomAD 0.00001; ExAC 0.00003; TOPMed 0.00003; 1000 Genomes Project 30x 0.00016; 1000 Genomes Project 0.00020.

Submission:

Labcorp Genetics (formerly Invitae), Labcorp
Classification: Uncertain significance for Lethal multiple pterygium syndrome. Last evaluated: 2025-06-03. Review status: criteria provided, single submitter. Criteria: Invitae Variant Classification Sherloc (09022015). Collection method: clinical testing. Allele origin: germline.
Comment: This sequence change replaces alanine, which is neutral and non-polar, with valine, which is neutral and non-polar, at codon 415 of the CHRNA1 protein (p.Ala415Val). This variant is present in population databases (rs200394375, gnomAD 0.03%). This variant has not been reported in the literature in individuals affected with CHRNA1-related conditions. ClinVar contains an entry for this variant (Variation ID: 1495688). An algorithm developed to predict the effect of missense changes on protein structure and function (PolyPhen-2) suggests that this variant is likely to be tolerated. In summary, the available evidence is currently insufficient to determine the role of this variant in disease. Therefore, it has been classified as a Variant of Uncertain Significance.

NM_000079.4(CHRNA1):c.1244C>T (p.Ala415Val)

Gene: CHRNA1 (cholinergic receptor nicotinic alpha 1 subunit; minus strand). Cytogenetic location: 2q31.1.
Variant type: single nucleotide variant.
Coding change: c.1244C>T on transcript NM_000079.4 (MANE Select); coding-DNA position 1244, C replaced by T.
Protein change: p.Ala415Val; replaces alanine 415 with valine.
Molecular consequence: missense variant.
Genome position (GRCh38, 1-based): chr2:174,748,254, G>A on the plus strand (C>T on the coding strand, the complement: CHRNA1 is on the minus strand). VCF-style: chr2-174748254-G-A. GRCh37 (hg19) VCF-style: chr2-175612982-G-A.
Other names: c.1319C>T, p.Ala440Val (NM_001039523.3); short protein forms A415V, A440V.
Identifiers: ClinVar variation 1495688 (VCV001495688.8), dbSNP rs200394375, ClinGen allele CA1974321.